The following is an entry in ClinVar:

ClinVar aggregate classification (germline): Uncertain significance. Review status: criteria provided, multiple submitters, no conflicts (2 of 4 stars). 2 submissions from 2 submitters: Uncertain significance (2). Last evaluated 2025-11-05.

Conditions:
Inborn genetic diseases. Identifiers: MedGen C0950123, MeSH D030342.

Allele frequency attached by ClinVar (database versions not stated): gnomAD 0.00001; gnomAD exomes below 0.00001; TOPMed 0.00001.

Submissions (2):

Ambry Genetics
Classification: Uncertain significance for Inborn genetic diseases. Last evaluated: 2025-11-05. Review status: criteria provided, single submitter. Criteria: Ambry Variant Classification Scheme 2023. Collection method: clinical testing. Allele origin: germline.

Labcorp Genetics (formerly Invitae), Labcorp
Classification: Uncertain significance. Last evaluated: 2022-07-06. Review status: criteria provided, single submitter. Criteria: Invitae Variant Classification Sherloc (09022015). Collection method: clinical testing. Allele origin: germline.
Comment: This sequence change replaces leucine, which is neutral and non-polar, with phenylalanine, which is neutral and non-polar, at codon 257 of the POC1B protein (p.Leu257Phe). This variant is not present in population databases (gnomAD no frequency). This variant has not been reported in the literature in individuals affected with POC1B-related conditions. ClinVar contains an entry for this variant (Variation ID: 1010721). Algorithms developed to predict the effect of missense changes on protein structure and function are either unavailable or do not agree on the potential impact of this missense change (SIFT: "Deleterious"; PolyPhen-2: "Possibly Damaging"; Align-GVGD: "Class C0"). In summary, the available evidence is currently insufficient to determine the role of this variant in disease. Therefore, it has been classified as a Variant of Uncertain Significance.

NM_172240.3(POC1B):c.769C>T (p.Leu257Phe)

Genes: POC1B-DUSP6 (POC1B-DUSP6 readthrough; minus strand), POC1B (POC1 centriolar protein B; minus strand). Cytogenetic location: 12q21.33.
Variant type: single nucleotide variant.
Coding change: c.769C>T on transcript NM_172240.3 (MANE Select); coding-DNA position 769, C replaced by T.
Protein change: p.Leu257Phe; replaces leucine 257 with phenylalanine.
Molecular consequence: missense variant. On other transcripts: non-coding transcript variant (2).
Genome position (GRCh38, 1-based): chr12:89,470,402, G>A on the plus strand (C>T on the coding strand, the complement: POC1B is on the minus strand). VCF-style: chr12-89470402-G-A. GRCh37 (hg19) VCF-style: chr12-89864179-G-A.
Other names: c.643C>T, p.Leu215Phe (NM_001199777.2); c.769C>T (NM_172240.2); short protein forms L215F, L257F.
Identifiers: ClinVar variation 1010721 (VCV001010721.8), dbSNP rs1882844397, ClinGen allele CA385995919.
Genomic context (GRCh38, chr12:89,470,402, plus strand): 5'-AGAATCTGAGTGTTAATACCGTATGTCCTTGAAGTGTATAGATGAGCCTTCCTTCTAAGA[G>A]GTCCAGAATCTTAAGGGTACCATCTGAAGAAGCTGTGATGAGATAGTTACCCGAAGGATG-3'
Protein context (NP_758440.1, residues 247-267): SSDGTLKILD[Leu257Phe]LEGRLIYTLQ